The following is an entry in ClinVar:

ClinVar aggregate classification (germline): Likely benign. Review status: criteria provided, multiple submitters, no conflicts (2 of 4 stars). 3 submissions from 3 submitters: Likely benign (2). 1 of the submissions does not count toward it. Last evaluated 2025-04-21.

Conditions:
HAVCR2-related disorder. Also called: HAVCR2-related condition.

Allele frequency attached by ClinVar (database versions not stated): gnomAD 0.00021; 1000 Genomes Project 30x 0.00047; ExAC 0.00056; TOPMed 0.00056; 1000 Genomes Project 0.00060.
gnomAD v4.1: 240 of 1,614,224 alleles (0.015%); highest among the groups gnomAD compares: Admixed American, 0.38%; 1 homozygote.

Submissions (3):

Women's Health and Genetics/Laboratory Corporation of America, LabCorp
Classification: Likely benign. Last evaluated: 2025-04-21. Review status: criteria provided, single submitter. Criteria: LabCorp Variant Classification Summary - May 2015. Collection method: clinical testing. Allele origin: germline.
Comment: Variant summary: HAVCR2 c.319A>T (p.Ile107Phe) results in a non-conservative amino acid change in the encoded protein sequence. Four of five in-silico tools predict a benign effect of the variant on protein function. The variant allele was found at a frequency of 0.00068 in 251198 control chromosomes, predominantly at a frequency of 0.0049 within the Latino subpopulation in the gnomAD database, including 1 homozygotes. The observed variant frequency within Latino control individuals in the gnomAD database is approximately 4-fold of the estimated maximal expected allele frequency for a pathogenic variant in HAVCR2 causing Subcutaneous panniculitis-like T-cell lymphoma phenotype (0.0011). To our knowledge, no occurrence of c.319A>T in individuals affected with Subcutaneous panniculitis-like T-cell lymphoma and no experimental evidence demonstrating its impact on protein function have been reported. ClinVar contains an entry for this variant (Variation ID: 3042551). Based on the evidence outlined above, the variant was classified as likely benign.

Blueprint Genetics
Classification: Likely benign. Last evaluated: 2024-11-06. Review status: criteria provided, single submitter. Criteria: ACMG Guidelines, 2015. Collection method: clinical testing. Allele origin: germline.

PreventionGenetics, part of Exact Sciences
Classification: Likely benign for HAVCR2-related condition. Last evaluated: 2022-03-16. Review status: no assertion criteria provided. Collection method: clinical testing. Allele origin: germline. Not counted in ClinVar's aggregate classification.
Comment: This variant is classified as likely benign based on ACMG/AMP sequence variant interpretation guidelines (Richards et al. 2015 PMID: 25741868, with internal and published modifications).

NM_032782.5(HAVCR2):c.319A>T (p.Ile107Phe)

Gene: HAVCR2 (hepatitis A virus cellular receptor 2; minus strand). Cytogenetic location: 5q33.3.
Variant type: single nucleotide variant.
Coding change: c.319A>T on transcript NM_032782.5 (MANE Select); coding-DNA position 319, A replaced by T.
Protein change: p.Ile107Phe; replaces isoleucine 107 with phenylalanine.
Molecular consequence: missense variant.
Genome position (GRCh38, 1-based): chr5:157,106,702, T>A on the plus strand (A>T on the coding strand, the complement: HAVCR2 is on the minus strand). VCF-style: chr5-157106702-T-A. GRCh37 (hg19) VCF-style: chr5-156533713-T-A.
Other names: short protein forms I107F.
Identifiers: ClinVar variation 3042551 (VCV003042551.5), dbSNP rs190484372, ClinGen allele CA3531960.